The following is an entry in ClinVar:

NM_003320.5(TUB):c.129C>G (p.Pro43=)

Gene: TUB (TUB bipartite transcription factor; plus strand). Cytogenetic location: 11p15.4.
Variant type: single nucleotide variant.
Coding change: c.129C>G on transcript NM_003320.5; coding-DNA position 129, C replaced by G.
Protein change: p.Pro43=; no amino-acid change (proline 43 retained).
Molecular consequence: synonymous variant. On other transcripts: intron variant (4).
Genome position (GRCh38, 1-based): chr11:8,039,002, C>G. VCF-style: chr11-8039002-C-G. GRCh37 (hg19) VCF-style: chr11-8060549-C-G.
Other names: c.56+19644C>G (NM_001440538.1, NM_001440539.1, NM_001440540.1 and 1 more transcripts).
Identifiers: ClinVar variation 4997327 (VCV004997327.1).

ClinVar aggregate classification (germline): Likely benign (1 of 4 stars; one submission).

Conditions:
TUB-related disorder. Also called: TUB-related condition.

gnomAD v4.1: 2 of 1,613,552 alleles (0.00012%); highest among the groups gnomAD compares: Admixed American, 0.0017%; no homozygotes.

Submission:

PreventionGenetics, part of Exact Sciences
Classification: Likely benign for TUB-related condition. Last evaluated: 2025-01-30. Review status: criteria provided, single submitter. Criteria: ACMG Guidelines, 2015. Collection method: clinical testing. Allele origin: germline.
Comment: This variant is classified as likely benign based on ACMG/AMP sequence variant interpretation guidelines (Richards et al. 2015 PMID: 25741868, with internal and published modifications).